The following is an entry in ClinVar:

NM_007175.8(ERLIN2):c.707A>G (p.Lys236Arg)

Gene: ERLIN2 (ER lipid raft associated 2; plus strand). Cytogenetic location: 8p11.23.
Variant type: single nucleotide variant.
Coding change: c.707A>G on transcript NM_007175.8 (MANE Select); coding-DNA position 707, A replaced by G.
Protein change: p.Lys236Arg; replaces lysine 236 with arginine.
Molecular consequence: missense variant.
Genome position (GRCh38, 1-based): chr8:37,751,683, A>G. VCF-style: chr8-37751683-A-G. GRCh37 (hg19) VCF-style: chr8-37609201-A-G.
Other names: c.707A>G, p.Lys236Arg (NM_001362878.2); short protein forms K236R.
Identifiers: ClinVar variation 2810544 (VCV002810544.3), dbSNP rs2487332300, ClinGen allele CA370660780.
Genomic context (GRCh38, chr8:37,751,683, plus strand): 5'-CAGAGGCAGAAAAAGTGGCCCAGGTGGCTGAGATCACCTACGGGCAGAAGGTGATGGAGA[A>G]GGAGACTGAGAAGAAGATTTCAGAAATTGAAGGTAAGCAGAAGTGGCAGTCATGCCTGAG-3'
Protein context (NP_009106.1, residues 226-246): EITYGQKVME[Lys236Arg]ETEKKISEIE

ClinVar aggregate classification (germline): Uncertain significance (1 of 4 stars; one submission).

Conditions:
Spastic paraplegia. Identifiers: MedGen C0037772, HP:0001258.

Submission:

Labcorp Genetics (formerly Invitae), Labcorp
Classification: Uncertain significance for Spastic paraplegia. Last evaluated: 2022-10-29. Review status: criteria provided, single submitter. Criteria: Invitae Variant Classification Sherloc (09022015). Collection method: clinical testing. Allele origin: germline.
Comment: In summary, the available evidence is currently insufficient to determine the role of this variant in disease. Therefore, it has been classified as a Variant of Uncertain Significance. Advanced modeling of protein sequence and biophysical properties (such as structural, functional, and spatial information, amino acid conservation, physicochemical variation, residue mobility, and thermodynamic stability) performed at Invitae indicates that this missense variant is not expected to disrupt ERLIN2 protein function. This variant has not been reported in the literature in individuals affected with ERLIN2-related conditions. This variant is not present in population databases (gnomAD no frequency). This sequence change replaces lysine, which is basic and polar, with arginine, which is basic and polar, at codon 236 of the ERLIN2 protein (p.Lys236Arg).